The following is an entry in ClinVar:

ClinVar aggregate classification (germline): Conflicting classifications of pathogenicity. Review status: criteria provided, conflicting classifications (1 of 4 stars). 5 submissions from 5 submitters: Likely pathogenic (1); Uncertain significance (4). Last evaluated 2026-06-01.

Conditions:
Hypogonadotropic hypogonadism 5 with or without anosmia (KAL5). Also called: HYPOGONADOTROPIC HYPOGONADISM 5 WITH ANOSMIA; HYPOGONADOTROPHIC HYPOGONADISM 5 WITHOUT ANOSMIA; CHD7-Related GnRH Deficiency (Kallmann Syndrome 5). Identifiers: Orphanet 478, MedGen C3552553, MONDO:0012880, OMIM 612370. Disease mechanism: loss of function.
CHARGE syndrome (CHARGE). Also called: Coloboma, heart anomaly, choanal atresia, retardation, genital and ear anomalies; CHARGE association; Hall-Hittner syndrome; Hittner Hirsch Kreh syndrome; CHARGE ASSOCIATION--COLOBOMA, HEART ANOMALY, CHOANAL ATRESIA, RETARDATION, GENITAL AND EAR ANOMALIES. Identifiers: Orphanet 138, MedGen C0265354, MONDO:0008965.

Allele frequency attached by ClinVar (database versions not stated): TOPMed below 0.00001.
gnomAD v4.1: 4 of 1,613,984 alleles (0.00025%); no homozygotes.

Submissions (5):

Victorian Clinical Genetics Services, Murdoch Childrens Research Institute
Classification: Uncertain significance for Hypogonadotropic hypogonadism 5 with or without anosmia. Last evaluated: 2026-06-01. Review status: criteria provided, single submitter. Criteria: ACMG Guidelines, 2015. Collection method: clinical testing. Allele origin: germline. Affected: yes.
Comment: This variant is classified as VUS-3C. Evidence in support of pathogenic classification: Variant is present in gnomAD <0.001 for a dominant condition (v4: 4 heterozygote(s), 0 homozygote(s)). Evidence in support of benign classification: Other missense variant(s) comparable to the one identified in this case have strong previous evidence for being BENIGN. p.(Gln2438Arg) and p.(Gln2438Pro) have been reported as likely benign or benign by multiple clinical laboratories in ClinVar; Missense variant predicted to be tolerated by in silico tool(s) or not conserved in placental mammals with a minor amino acid change. Additional information: Variant is predicted to result in a missense amino acid change from Gln to Glu; This variant is heterozygous; This gene is associated with autosomal dominant disease; Alternative amino acid change(s) at the same position are present in gnomAD (highest allele count: v4: 228 heterozygote(s), 0 homozygote(s)); Previous reports of pathogenicity for this variant are conflicting. This variant has been reported in one individual with microcephaly and seizures (PMID: 30828794). It has also been classified as a VUS by clinical laboratories in ClinVar; No published evidence of segregation with disease has been identified for this variant; No published functional evidence has been identified for this variant; Variant is not located in an established domain, motif, hotspot or informative constraint region; Loss of function is a known mechanism of disease in this gene and is associated with CHARGE syndrome (MIM#214800) and hypogonadotropic hypogonadism 5 with or without anosmia (MIM#612370); Variants in this gene are known to have variable expressivity (PMID: 20301296); Inheritance information for this variant is not currently available in this individual.

Labcorp Genetics (formerly Invitae), Labcorp
Classification: Uncertain significance for CHARGE syndrome. Last evaluated: 2025-11-01. Review status: criteria provided, single submitter. Criteria: Invitae Variant Classification Sherloc (09022015). Collection method: clinical testing. Allele origin: germline.
Comment: This sequence change replaces glutamine, which is neutral and polar, with glutamic acid, which is acidic and polar, at codon 2438 of the CHD7 protein (p.Gln2438Glu). This variant is not present in population databases (gnomAD no frequency). This missense change has been observed in individual(s) with clinical features of CHD7-related conditions (PMID: 30828794). ClinVar contains an entry for this variant (Variation ID: 626218). Invitae Evidence Modeling of protein sequence and biophysical properties (such as structural, functional, and spatial information, amino acid conservation, physicochemical variation, residue mobility, and thermodynamic stability) indicates that this missense variant is not expected to disrupt CHD7 protein function with a negative predictive value of 95%. In summary, the available evidence is currently insufficient to determine the role of this variant in disease. Therefore, it has been classified as a Variant of Uncertain Significance.

Blueprint Genetics
Classification: Uncertain significance. Last evaluated: 2024-05-28. Review status: criteria provided, single submitter. Criteria: ACMG Guidelines, 2015. Collection method: clinical testing. Allele origin: germline.

GeneDx
Classification: Uncertain significance. Last evaluated: 2023-01-10. Review status: criteria provided, single submitter. Criteria: GeneDx Variant Classification Process June 2021. Collection method: clinical testing. Allele origin: germline. Affected: yes.
Comment: Identified in a patient with hearing loss, microcephaly, seizures, and superior semicircular canal dehiscence in published literature (Truong et al., 2019); Not observed at significant frequency in large population cohorts (gnomAD); In silico analysis supports that this missense variant does not alter protein structure/function; This variant is associated with the following publications: (PMID: 30828794)

Santos-Cortez Lab, University of Colorado School of Medicine
Classification: Likely pathogenic for CHD7-related CHARGE syndrome. Last evaluated: 2019-01-17. Review status: criteria provided, single submitter. Criteria: Submitter's publication. Collection method: research. Allele origin: germline. Inheritance: Autosomal dominant inheritance. Affected: yes.

Literature cited by the submitters: PubMed 30828794 (cited by Victorian Clinical Genetics Services, Murdoch Childrens Research Institute and Labcorp Genetics (formerly Invitae), Labcorp); PubMed 20301296 (cited by Victorian Clinical Genetics Services, Murdoch Childrens Research Institute).

NM_017780.4(CHD7):c.7312C>G (p.Gln2438Glu)

Gene: CHD7 (chromodomain helicase DNA binding protein 7; plus strand). Cytogenetic location: 8q12.2.
Variant type: single nucleotide variant.
Coding change: c.7312C>G on transcript NM_017780.4 (MANE Select); coding-DNA position 7312, C replaced by G.
Protein change: p.Gln2438Glu; replaces glutamine 2438 with glutamic acid.
Molecular consequence: missense variant. On other transcripts: intron variant (1).
Genome position (GRCh38, 1-based): chr8:60,856,592, C>G. VCF-style: chr8-60856592-C-G. GRCh37 (hg19) VCF-style: chr8-61769151-C-G.
Other names: c.7312C>G (NM_017780.2); c.1717-5637C>G (NM_001316690.1); short protein forms Q2438E.
Identifiers: ClinVar variation 626218 (VCV000626218.10), dbSNP rs1060503188, ClinGen allele CA371300770.